The following is an entry in ClinVar:

ClinVar aggregate classification (germline): Uncertain significance (1 of 4 stars; one submission).

Conditions:
GTP cyclohydrolase I deficiency. Identifiers: MedGen C0268467, MONDO:0100184.
Dystonia 5 (DRD). Also called: DYSTONIA, PROGRESSIVE, WITH DIURNAL VARIATION; DYSTONIA-PARKINSONISM WITH DIURNAL FLUCTUATION; GTP Cyclohydrolase 1-Deficient Dopa-Responsive Dystonia; DYT-GCH1; Dystonia, DOPA-responsive, with or without hyperphenylalaninemia. Identifiers: Orphanet 98808, MedGen C1851920, MONDO:0007495, OMIM 128230.

Allele frequency attached by ClinVar (database versions not stated): TOPMed below 0.00001; gnomAD 0.00002; gnomAD exomes 0.00003; ExAC 0.00004; 1000 Genomes Project 30x 0.00016; 1000 Genomes Project 0.00020.
gnomAD v4.1: 43 of 1,487,598 alleles (0.0029%); highest among the groups gnomAD compares: South Asian, 0.045%; no homozygotes.

Submission:

Labcorp Genetics (formerly Invitae), Labcorp
Classification: Uncertain significance for GTP cyclohydrolase I deficiency; Dystonia 5. Last evaluated: 2024-01-22. Review status: criteria provided, single submitter. Criteria: Invitae Variant Classification Sherloc (09022015). Collection method: clinical testing. Allele origin: germline.
Comment: This sequence change falls in intron 4 of the GCH1 gene. It does not directly change the encoded amino acid sequence of the GCH1 protein. This variant is present in population databases (rs554517901, gnomAD 0.04%). This variant has not been reported in the literature in individuals affected with GCH1-related conditions. Algorithms developed to predict the effect of sequence changes on RNA splicing suggest that this variant may disrupt the consensus splice site. In summary, the available evidence is currently insufficient to determine the role of this variant in disease. Therefore, it has been classified as a Variant of Uncertain Significance.

NM_000161.3(GCH1):c.542-12T>C

Gene: GCH1 (GTP cyclohydrolase 1; minus strand). Cytogenetic location: 14q22.2.
Variant type: single nucleotide variant.
Coding change: c.542-12T>C on transcript NM_000161.3 (MANE Select); 12 bases into the intron before coding-DNA position 542, T replaced by C.
Molecular consequence: intron variant.
Genome position (GRCh38, 1-based): chr14:54,845,864, A>G on the plus strand (T>C on the coding strand, the complement: GCH1 is on the minus strand). VCF-style: chr14-54845864-A-G. GRCh37 (hg19) VCF-style: chr14-55312582-A-G.
Other names: c.510-2810T>C (NM_001424104.1); c.542-12T>C (NM_001024071.2, NM_001024070.2, NM_001024024.2); c.248-12T>C (NM_001424105.1).
Identifiers: ClinVar variation 2947209 (VCV002947209.1), dbSNP rs554517901, ClinGen allele CA7193540.